The following is an entry in ClinVar:

NM_033380.3(COL4A5):c.4504A>T (p.Lys1502Ter)

Gene: COL4A5 (collagen type IV alpha 5 chain; plus strand). Cytogenetic location: Xq22.3.
Variant type: single nucleotide variant.
Coding change: c.4504A>T on transcript NM_033380.3 (MANE Select); coding-DNA position 4504, A replaced by T.
Protein change: p.Lys1502Ter; replaces lysine 1502 with a stop codon.
Molecular consequence: nonsense.
Genome position (GRCh38, 1-based): chrX:108,687,670, A>T. VCF-style: chrX-108687670-A-T. GRCh37 (hg19) VCF-style: chrX-107930900-A-T.
Other names: c.4486A>T, p.Lys1496Ter (NM_000495.5); short protein forms K1496*, K1502*.
Identifiers: ClinVar variation 1724058 (VCV001724058.2), dbSNP rs2524632984, ClinGen allele CA413854739.

ClinVar aggregate classification (germline): Likely pathogenic (1 of 4 stars; one submission).

Conditions:
X-linked Alport syndrome (ATS1). Also called: COL4A5-Related Nephropathy; NEPHROPATHY AND DEAFNESS, X-LINKED. Identifiers: Orphanet 63, Orphanet 88917, MedGen C4746986, MONDO:0010520, OMIM 301050.

Submission:

Myriad Genetics, Inc.
Classification: Likely pathogenic for X-linked Alport syndrome. Last evaluated: 2022-01-24. Review status: criteria provided, single submitter. Criteria: Myriad Women's Health Autosomal Recessive and X-Linked Classification Criteria (2021). Collection method: clinical testing. Allele origin: unknown.
Comment: NM_000495.4(COL4A5):c.4486A>T(K1496*) is expected to be pathogenic in the context of X-linked Alport syndrome. This variant is predicted to lead to an abnormal or absent protein product due to the creation of a premature termination codon in COL4A5, a gene where loss-of-function variants are known to be pathogenic. Please note: this variant was assessed in the context of healthy population screening.